The following is an entry in ClinVar:

NM_001365276.2(TNXB):c.4318C>G (p.Leu1440Val)

Gene: TNXB (tenascin XB; minus strand). Cytogenetic location: 6p21.33.
Variant type: single nucleotide variant.
Coding change: c.4318C>G on transcript NM_001365276.2 (MANE Select); coding-DNA position 4318, C replaced by G.
Protein change: p.Leu1440Val; replaces leucine 1440 with valine.
Molecular consequence: missense variant.
Genome position (GRCh38, 1-based): chr6:32,079,090, G>C on the plus strand (C>G on the coding strand, the complement: TNXB is on the minus strand). VCF-style: chr6-32079090-G-C. GRCh37 (hg19) VCF-style: chr6-32046867-G-C.
Other names: c.4318C>G, p.Leu1440Val (NM_019105.8); short protein forms L1440V.
Identifiers: ClinVar variation 1739670 (VCV001739670.4), dbSNP rs756905708, ClinGen allele CA3734985.

ClinVar aggregate classification (germline): Uncertain significance. Review status: criteria provided, multiple submitters, no conflicts (2 of 4 stars). 2 submissions from 2 submitters: Uncertain significance (2). Last evaluated 2025-10-05.

Conditions:
Cardiovascular phenotype. Identifiers: MedGen CN230736.

Allele frequency attached by ClinVar (database versions not stated): gnomAD 0.00001; TOPMed 0.00002; ExAC 0.00001.
gnomAD v4.1: 9 of 1,613,598 alleles (0.00056%); highest among the groups gnomAD compares: Non-Finnish European, 0.00076%; no homozygotes.

Submissions (2):

Ambry Genetics
Classification: Uncertain significance for Cardiovascular phenotype. Last evaluated: 2025-10-05. Review status: criteria provided, single submitter. Criteria: Ambry Variant Classification Scheme 2023. Collection method: clinical testing. Allele origin: germline.
Comment: The p.L1440V variant (also known as c.4318C>G), located in coding exon 10 of the TNXB gene, results from a C to G substitution at nucleotide position 4318. The leucine at codon 1440 is replaced by valine, an amino acid with highly similar properties. This amino acid position is conserved. In addition, this alteration is predicted to be tolerated by in silico analysis. Since supporting evidence is limited at this time, the clinical significance of this alteration remains unclear.

GeneDx
Classification: Uncertain significance. Last evaluated: 2023-12-26. Review status: criteria provided, single submitter. Criteria: GeneDx Variant Classification Process June 2021. Collection method: clinical testing. Allele origin: germline. Affected: yes.
Comment: Has not been previously published as pathogenic or benign to our knowledge; Not observed at significant frequency in large population cohorts (gnomAD); In silico analysis supports that this missense variant does not alter protein structure/function